The following is an entry in ClinVar:

NM_001378454.1(ALMS1):c.6649A>G (p.Ser2217Gly)

Gene: ALMS1 (ALMS1 centrosome and basal body associated protein; plus strand). Cytogenetic location: 2p13.1.
Variant type: single nucleotide variant.
Coding change: c.6649A>G on transcript NM_001378454.1 (MANE Select); coding-DNA position 6649, A replaced by G.
Protein change: p.Ser2217Gly; replaces serine 2217 with glycine.
Molecular consequence: missense variant.
Genome position (GRCh38, 1-based): chr2:73,453,176, A>G. VCF-style: chr2-73453176-A-G. GRCh37 (hg19) VCF-style: chr2-73680303-A-G.
Other names: c.6652A>G, p.Ser2218Gly (NM_015120.4); short protein forms S2218G, S2217G.
Identifiers: ClinVar variation 2147987 (VCV002147987.4), dbSNP rs774955404, ClinGen allele CA347288907.

ClinVar aggregate classification (germline): Uncertain significance (1 of 4 stars; one submission).

Conditions:
Alstrom syndrome (ALMS). Identifiers: Orphanet 64, MedGen C0268425, MONDO:0008763, OMIM 203800.

Submission:

Labcorp Genetics (formerly Invitae), Labcorp
Classification: Uncertain significance for Alstrom syndrome. Last evaluated: 2022-06-25. Review status: criteria provided, single submitter. Criteria: Invitae Variant Classification Sherloc (09022015). Collection method: clinical testing. Allele origin: germline.
Comment: In summary, the available evidence is currently insufficient to determine the role of this variant in disease. Therefore, it has been classified as a Variant of Uncertain Significance. Experimental studies and prediction algorithms are not available or were not evaluated, and the functional significance of this variant is currently unknown. This variant has not been reported in the literature in individuals affected with ALMS1-related conditions. This variant is not present in population databases (gnomAD no frequency). This sequence change replaces serine, which is neutral and polar, with glycine, which is neutral and non-polar, at codon 2218 of the ALMS1 protein (p.Ser2218Gly).